The following is an entry in ClinVar:

NM_030912.3(TRIM8):c.1616T>C (p.Val539Ala)

Gene: TRIM8 (tripartite motif containing 8; plus strand). Cytogenetic location: 10q24.32.
Variant type: single nucleotide variant.
Coding change: c.1616T>C on transcript NM_030912.3 (MANE Select); coding-DNA position 1616, T replaced by C.
Protein change: p.Val539Ala; replaces valine 539 with alanine.
Molecular consequence: missense variant. On other transcripts: non-coding transcript variant (1).
Genome position (GRCh38, 1-based): chr10:102,657,314, T>C. VCF-style: chr10-102657314-T-C. GRCh37 (hg19) VCF-style: chr10-104417071-T-C.
Other names: c.1520T>C, p.Val507Ala (NM_001345950.1); short protein forms V507A, V539A.
Identifiers: ClinVar variation 2836463 (VCV002836463.3), dbSNP rs2492916889, ClinGen allele CA377933509.

ClinVar aggregate classification (germline): Uncertain significance (1 of 4 stars; one submission).

Submission:

Labcorp Genetics (formerly Invitae), Labcorp
Classification: Uncertain significance. Last evaluated: 2023-02-11. Review status: criteria provided, single submitter. Criteria: Invitae Variant Classification Sherloc (09022015). Collection method: clinical testing. Allele origin: germline.
Comment: This sequence change replaces valine, which is neutral and non-polar, with alanine, which is neutral and non-polar, at codon 539 of the TRIM8 protein (p.Val539Ala). This variant is not present in population databases (gnomAD no frequency). This variant has not been reported in the literature in individuals affected with TRIM8-related conditions. Algorithms developed to predict the effect of missense changes on protein structure and function are either unavailable or do not agree on the potential impact of this missense change (SIFT: "Deleterious"; PolyPhen-2: "Benign"; Align-GVGD: "Class C25"). In summary, the available evidence is currently insufficient to determine the role of this variant in disease. Therefore, it has been classified as a Variant of Uncertain Significance.